The following is an entry in ClinVar:

Conditions:
Arteriohepatic dysplasia. Also called: Alagille Syndrome. Identifiers: Orphanet 52, MedGen C0085280, MeSH D016738, MONDO:0007318.

Submission:

Gilbert/Spinner Lab, Children's Hospital of Philadelphia
No classification provided (evidence only). Condition: Alagille syndrome. Review status: no classification provided. Collection method: research. Allele origin: not applicable. Functional consequence: functionally_abnormal.
ClinVar note: "not provided" was previously submitted as the classification for the variant. However, the classification appeared to be based only on an observation of functional data so it was converted to no classification on 2025-07-30.

NM_000214.3(JAG1):c.530C>A (p.Ala177Asp)

Gene: JAG1 (jagged canonical Notch ligand 1; minus strand). Cytogenetic location: 20p12.2.
Variant type: single nucleotide variant.
Coding change: c.530C>A on transcript NM_000214.3 (MANE Select); coding-DNA position 530, C replaced by A.
Protein change: p.Ala177Asp; replaces alanine 177 with aspartic acid.
Molecular consequence: missense variant.
Genome position (GRCh38, 1-based): chr20:10,658,632, G>T on the plus strand (C>A on the coding strand, the complement: JAG1 is on the minus strand). VCF-style: chr20-10658632-G-T. GRCh37 (hg19) VCF-style: chr20-10639280-G-T.
Other names: short protein forms A177D.
Identifiers: ClinVar variation 3573050 (VCV003573050.2).